The following is an entry in ClinVar:

NM_001613.4(ACTA2):c.406G>T (p.Val136Leu)

Gene: ACTA2 (actin alpha 2, smooth muscle; minus strand). Cytogenetic location: 10q23.31.
Variant type: single nucleotide variant.
Coding change: c.406G>T on transcript NM_001613.4 (MANE Select); coding-DNA position 406, G replaced by T.
Protein change: p.Val136Leu; replaces valine 136 with leucine.
Molecular consequence: missense variant.
Genome position (GRCh38, 1-based): chr10:88,941,833, C>A on the plus strand (G>T on the coding strand, the complement: ACTA2 is on the minus strand). VCF-style: chr10-88941833-C-A. GRCh37 (hg19) VCF-style: chr10-90701590-C-A.
Other names: c.406G>T, p.Val136Leu (NM_001141945.3, NM_001320855.2, NM_001406462.1 and 3 more transcripts); c.295G>T, p.Val99Leu (NM_001406466.1); c.277G>T, p.Val93Leu (NM_001406467.1, NM_001406468.1, NM_001406469.1); short protein forms V136L, V93L, V99L.
Identifiers: ClinVar variation 934622 (VCV000934622.4), dbSNP rs1845859956, ClinGen allele CA377512494.

ClinVar aggregate classification (germline): Uncertain significance (1 of 4 stars; one submission).

Conditions:
Aortic aneurysm, familial thoracic 6 (AAT6). Also called: FAMILIAL THORACIC AORTIC ANEURYSM WITH LIVEDO RETICULARIS AND IRIS FLOCCULI. Identifiers: MedGen C2673186, MONDO:0012730, OMIM 611788.

Submission:

Labcorp Genetics (formerly Invitae), Labcorp
Classification: Uncertain significance for Aortic aneurysm, familial thoracic 6. Last evaluated: 2026-01-07. Review status: criteria provided, single submitter. Criteria: Invitae Variant Classification Sherloc (09022015). Collection method: clinical testing. Allele origin: germline.
Comment: This sequence change replaces valine, which is neutral and non-polar, with leucine, which is neutral and non-polar, at codon 136 of the ACTA2 protein (p.Val136Leu). This variant is not present in population databases (gnomAD no frequency). This variant has not been reported in the literature in individuals affected with ACTA2-related conditions. ClinVar contains an entry for this variant (Variation ID: 934622). Invitae Evidence Modeling of protein sequence and biophysical properties (such as structural, functional, and spatial information, amino acid conservation, physicochemical variation, residue mobility, and thermodynamic stability) indicates that this missense variant is not expected to disrupt ACTA2 protein function with a negative predictive value of 80%. In summary, the available evidence is currently insufficient to determine the role of this variant in disease. Therefore, it has been classified as a Variant of Uncertain Significance.